The following is an entry in ClinVar:

NM_003235.5(TG):c.3677del (p.Gly1226fs)

Gene: TG (thyroglobulin; plus strand). Cytogenetic location: 8q24.22.
Variant type: Deletion.
Coding change: c.3677del on transcript NM_003235.5 (MANE Select); coding-DNA position 3677, one base deleted (G; older notation c.3677delG).
Protein change: p.Gly1226fs; shifts the reading frame from glycine 1226.
Molecular consequence: frameshift variant.
Genome position (GRCh38, 1-based): chr8:132,906,730, G deleted; the last of 2 consecutive G bases (chr8:132,906,729-132,906,730); deleting either gives the same sequence. VCF-style (leftmost placement, unchanged base first): chr8-132906728-TG-T. GRCh37 (hg19) VCF-style: chr8-133918973-TG-T.
Other names: short protein forms G1226fs.
Identifiers: ClinVar variation 3001216 (VCV003001216.3), dbSNP rs1310897860, ClinGen allele CA585277546.

ClinVar aggregate classification (germline): Pathogenic (1 of 4 stars; one submission).

Submission:

Labcorp Genetics (formerly Invitae), Labcorp
Classification: Pathogenic. Last evaluated: 2024-01-25. Review status: criteria provided, single submitter. Criteria: Invitae Variant Classification Sherloc (09022015). Collection method: clinical testing. Allele origin: germline.
Comment: This sequence change creates a premature translational stop signal (p.Gly1226Valfs*37) in the TG gene. It is expected to result in an absent or disrupted protein product. Loss-of-function variants in TG are known to be pathogenic (PMID: 19837936, 23164529). This variant is present in population databases (no rsID available, gnomAD 0.0009%). This variant has not been reported in the literature in individuals affected with TG-related conditions. For these reasons, this variant has been classified as Pathogenic.

Literature cited by the submitters: PubMed 19837936; PubMed 23164529.